The following is an entry in ClinVar:

ClinVar aggregate classification (germline): Uncertain significance (1 of 4 stars; one submission).

Submission:

CeGaT Center for Human Genetics Tuebingen
Classification: Uncertain significance. Last evaluated: 2025-11-01. Review status: criteria provided, single submitter. Criteria: CeGaT Center For Human Genetics Tuebingen Variant Classification Criteria Version 2. Collection method: clinical testing. Allele origin: germline. Affected: yes. Observed: 1 variant allele.
Comment: GPIHBP1: PM2, BP4

NM_178172.6(GPIHBP1):c.47G>A (p.Arg16Gln)

Gene: GPIHBP1 (glycosylphosphatidylinositol anchored high density lipoprotein binding protein 1; plus strand). Cytogenetic location: 8q24.3.
Variant type: single nucleotide variant.
Coding change: c.47G>A on transcript NM_178172.6 (MANE Select); coding-DNA position 47, G replaced by A.
Protein change: p.Arg16Gln; replaces arginine 16 with glutamine.
Molecular consequence: missense variant.
Genome position (GRCh38, 1-based): chr8:143,213,314, G>A. VCF-style: chr8-143213314-G-A. GRCh37 (hg19) VCF-style: chr8-144295189-G-A.
Other names: c.47G>A, p.Arg16Gln (NM_001301772.2); short protein forms R16Q.
Identifiers: ClinVar variation 4534410 (VCV004534410.6).